The following is an entry in ClinVar:

NM_001042517.2(DIAPH3):c.1318A>G (p.Ile440Val)

Gene: DIAPH3 (diaphanous related formin 3; minus strand). Cytogenetic location: 13q21.2.
Variant type: single nucleotide variant.
Coding change: c.1318A>G on transcript NM_001042517.2 (MANE Select); coding-DNA position 1318, A replaced by G.
Protein change: p.Ile440Val; replaces isoleucine 440 with valine.
Molecular consequence: missense variant.
Genome position (GRCh38, 1-based): chr13:59,991,201, T>C on the plus strand (A>G on the coding strand, the complement: DIAPH3 is on the minus strand). VCF-style: chr13-59991201-T-C. GRCh37 (hg19) VCF-style: chr13-60565335-T-C.
Other names: c.1285A>G, p.Ile429Val (NM_001258366.2); c.1180A>G, p.Ile394Val (NM_001258367.2); c.1108A>G, p.Ile370Val (NM_001258368.2); c.1318A>G, p.Ile440Val (NM_001258369.2); c.529A>G, p.Ile177Val (NM_001258370.2, NM_030932.4); short protein forms I177V, I370V, I440V, I394V, I429V.
Identifiers: ClinVar variation 2187214 (VCV002187214.4), dbSNP rs748882816, ClinGen allele CA6996744.

ClinVar aggregate classification (germline): Uncertain significance (1 of 4 stars; one submission).

Allele frequency attached by ClinVar (database versions not stated): gnomAD exomes 0.00001; TOPMed 0.00004; ExAC 0.00007.
gnomAD v4.1: 21 of 1,611,084 alleles (0.0013%); highest among the groups gnomAD compares: Admixed American, 0.018%; no homozygotes.

Submission:

Labcorp Genetics (formerly Invitae), Labcorp
Classification: Uncertain significance. Last evaluated: 2025-09-02. Review status: criteria provided, single submitter. Criteria: Invitae Variant Classification Sherloc (09022015). Collection method: clinical testing. Allele origin: germline.
Comment: This sequence change replaces isoleucine, which is neutral and non-polar, with valine, which is neutral and non-polar, at codon 440 of the DIAPH3 protein (p.Ile440Val). This variant is present in population databases (rs748882816, gnomAD 0.02%). This variant has not been reported in the literature in individuals affected with DIAPH3-related conditions. ClinVar contains an entry for this variant (Variation ID: 2187214). An algorithm developed to predict the effect of missense changes on protein structure and function (PolyPhen-2) suggests that this variant is likely to be disruptive. In summary, the available evidence is currently insufficient to determine the role of this variant in disease. Therefore, it has been classified as a Variant of Uncertain Significance.